The following is an entry in ClinVar:

NM_030962.4(SBF2):c.3200C>A (p.Thr1067Lys)

Genes: SBF2 (SET binding factor 2; minus strand), LOC101928008 (uncharacterized LOC101928008; plus strand). Cytogenetic location: 11p15.4.
Variant type: single nucleotide variant.
Coding change: c.3200C>A on transcript NM_030962.4 (MANE Select); coding-DNA position 3200, C replaced by A.
Protein change: p.Thr1067Lys; replaces threonine 1067 with lysine.
Molecular consequence: missense variant.
Genome position (GRCh38, 1-based): chr11:9,842,681, G>T on the plus strand (C>A on the coding strand, the complement: SBF2 is on the minus strand). VCF-style: chr11-9842681-G-T. GRCh37 (hg19) VCF-style: chr11-9864228-G-T.
Other names: c.3200C>A, p.Thr1067Lys (NM_001386339.1); c.3071C>A, p.Thr1024Lys (NM_001386342.1); short protein forms T1024K, T1067K.
Identifiers: ClinVar variation 2012088 (VCV002012088.4), dbSNP rs2494761324, ClinGen allele CA379631002.

ClinVar aggregate classification (germline): Uncertain significance (1 of 4 stars; one submission).

Conditions:
Charcot-Marie-Tooth disease type 4. Also called: Charcot-Marie-Tooth, Type 4; Charcot-Marie-Tooth disease, type IV. Identifiers: Orphanet 64749, MedGen C4082197, MONDO:0018995.

Submission:

Labcorp Genetics (formerly Invitae), Labcorp
Classification: Uncertain significance for Charcot-Marie-Tooth disease type 4. Last evaluated: 2022-06-29. Review status: criteria provided, single submitter. Criteria: Invitae Variant Classification Sherloc (09022015). Collection method: clinical testing. Allele origin: germline.
Comment: This sequence change replaces threonine, which is neutral and polar, with lysine, which is basic and polar, at codon 1067 of the SBF2 protein (p.Thr1067Lys). This variant is not present in population databases (gnomAD no frequency). This variant has not been reported in the literature in individuals affected with SBF2-related conditions. Algorithms developed to predict the effect of missense changes on protein structure and function are either unavailable or do not agree on the potential impact of this missense change (SIFT: "Deleterious"; PolyPhen-2: "Benign"; Align-GVGD: "Class C0"). In summary, the available evidence is currently insufficient to determine the role of this variant in disease. Therefore, it has been classified as a Variant of Uncertain Significance.